The following is an entry in ClinVar:

ClinVar aggregate classification (germline): Conflicting classifications of pathogenicity. Review status: criteria provided, conflicting classifications (1 of 4 stars). 6 submissions from 6 submitters: Uncertain significance (1); Likely benign (3). 2 of the submissions do not count toward it. Last evaluated 2026-05-01.

Conditions:
BBS12-related disorder. Also called: BBS12-related condition.
Bardet-Biedl syndrome (BBS). Identifiers: Orphanet 110, MedGen C0752166, MONDO:0015229.
Bardet-Biedl syndrome 12 (BBS12). Identifiers: Orphanet 110, MedGen C1859570, MONDO:0014440, OMIM 615989.

Allele frequency attached by ClinVar (database versions not stated): ExAC 0.00031; gnomAD exomes 0.00032; ESP Exome Variant Server 0.00046; gnomAD 0.00047 and 0.00048; TOPMed 0.00056; 1000 Genomes Project 0.00080.
gnomAD v4.1: 534 of 1,613,854 alleles (0.033%); highest among the groups gnomAD compares: African/African-American, 0.079%; 1 homozygote.

Submissions (6):

CeGaT Center for Human Genetics Tuebingen
Classification: Likely benign. Last evaluated: 2026-05-01. Review status: criteria provided, single submitter. Criteria: CeGaT Center For Human Genetics Tuebingen Variant Classification Criteria Version 2. Collection method: clinical testing. Allele origin: germline. Affected: yes. Observed: 1 variant allele.
Comment: BBS12: BP4, BP7

Blueprint Genetics
Classification: Likely benign. Last evaluated: 2024-09-13. Review status: criteria provided, single submitter. Criteria: ACMG Guidelines, 2015. Collection method: clinical testing. Allele origin: germline.

Labcorp Genetics (formerly Invitae), Labcorp
Classification: Likely benign for Bardet-Biedl syndrome. Last evaluated: 2019-12-31. Review status: criteria provided, single submitter. Criteria: Invitae Variant Classification Sherloc (09022015). Collection method: clinical testing. Allele origin: germline.

Eurofins Ntd Llc (ga)
Classification: Uncertain significance. Last evaluated: 2014-05-12. Review status: criteria provided, single submitter. Criteria: EGL Classification Definitions 2015. Collection method: clinical testing. Allele origin: germline. Observed: 2 variant alleles, 2 heterozygotes.

Natera, Inc.
Classification: Likely benign for Bardet-Biedl syndrome type 12. Last evaluated: 2019-10-28. Review status: no assertion criteria provided. Collection method: clinical testing. Allele origin: germline. Not counted in ClinVar's aggregate classification.

PreventionGenetics, part of Exact Sciences
Classification: Likely benign for BBS12-related condition. Last evaluated: 2019-04-03. Review status: no assertion criteria provided. Collection method: clinical testing. Allele origin: germline. Not counted in ClinVar's aggregate classification.
Comment: This variant is classified as likely benign based on ACMG/AMP sequence variant interpretation guidelines (Richards et al. 2015 PMID: 25741868, with internal and published modifications).

NM_152618.3(BBS12):c.978T>A (p.Thr326=)

Gene: BBS12 (Bardet-Biedl syndrome 12; plus strand). Cytogenetic location: 4q27.
Variant type: single nucleotide variant.
Coding change: c.978T>A on transcript NM_152618.3 (MANE Select); coding-DNA position 978, T replaced by A.
Protein change: p.Thr326=; no amino-acid change (threonine 326 retained).
Molecular consequence: synonymous variant.
Genome position (GRCh38, 1-based): chr4:122,742,870, T>A. VCF-style: chr4-122742870-T-A. GRCh37 (hg19) VCF-style: chr4-123664025-T-A.
Other names: c.978T>A, p.Thr326= (NM_001178007.2).
Identifiers: ClinVar variation 195413 (VCV000195413.14), dbSNP rs115635198, ClinGen allele CA241843.